The following is an entry in ClinVar:

NM_015087.5(SPART):c.1138C>T (p.Arg380Cys)

Gene: SPART (spartin; minus strand). Cytogenetic location: 13q13.3.
Variant type: single nucleotide variant.
Coding change: c.1138C>T on transcript NM_015087.5 (MANE Select); coding-DNA position 1138, C replaced by T.
Protein change: p.Arg380Cys; replaces arginine 380 with cysteine.
Molecular consequence: missense variant.
Genome position (GRCh38, 1-based): chr13:36,329,388, G>A on the plus strand (C>T on the coding strand, the complement: SPART is on the minus strand). VCF-style: chr13-36329388-G-A. GRCh37 (hg19) VCF-style: chr13-36903525-G-A.
Other names: c.1138C>T, p.Arg380Cys (NM_001142294.2, NM_001142295.2, NM_001142296.2); c.1138C>T (NM_015087.4); short protein forms R380C.
Identifiers: ClinVar variation 1487983 (VCV001487983.7), dbSNP rs746802252, ClinGen allele CA6949483.

ClinVar aggregate classification (germline): Uncertain significance. Review status: criteria provided, multiple submitters, no conflicts (2 of 4 stars). 2 submissions from 2 submitters: Uncertain significance (2). Last evaluated 2025-08-10.

Conditions:
Inborn genetic diseases. Identifiers: MedGen C0950123, MeSH D030342.

Allele frequency attached by ClinVar (database versions not stated): gnomAD exomes 0.00001 and 0.00002; ExAC 0.00002; gnomAD 0.00007 and 0.00008; TOPMed 0.00007.
gnomAD v4.1: 25 of 1,613,886 alleles (0.0015%); highest among the groups gnomAD compares: African/African-American, 0.02%; no homozygotes.

Submissions (2):

Ambry Genetics
Classification: Uncertain significance for Inborn genetic diseases. Last evaluated: 2025-08-10. Review status: criteria provided, single submitter. Criteria: Ambry Variant Classification Scheme 2023. Collection method: clinical testing. Allele origin: germline.

Labcorp Genetics (formerly Invitae), Labcorp
Classification: Uncertain significance. Last evaluated: 2022-05-07. Review status: criteria provided, single submitter. Criteria: Invitae Variant Classification Sherloc (09022015). Collection method: clinical testing. Allele origin: germline.
Comment: This sequence change replaces arginine, which is basic and polar, with cysteine, which is neutral and slightly polar, at codon 380 of the SPART protein (p.Arg380Cys). This variant is present in population databases (rs746802252, gnomAD 0.03%). This variant has not been reported in the literature in individuals affected with SPART-related conditions. Algorithms developed to predict the effect of missense changes on protein structure and function are either unavailable or do not agree on the potential impact of this missense change (SIFT: "Tolerated"; PolyPhen-2: "Possibly Damaging"; Align-GVGD: "Class C0"). In summary, the available evidence is currently insufficient to determine the role of this variant in disease. Therefore, it has been classified as a Variant of Uncertain Significance.